The following is an entry in ClinVar:

NM_000128.4(F11):c.214_217dup (p.Trp73fs)

Gene: F11 (coagulation factor XI; plus strand). Cytogenetic location: 4q35.2.
Variant type: Duplication.
Coding change: c.214_217dup on transcript NM_000128.4 (MANE Select); coding-DNA positions 214 to 217, 4 bases duplicated (CGAT; older notation c.214_217dupCGAT).
Protein change: p.Trp73fs; shifts the reading frame from tryptophan 73.
Molecular consequence: frameshift variant.
Genome position (GRCh38, 1-based): chr4:186,271,767-186,271,770, CGAT duplicated. VCF-style (leftmost placement, unchanged base first): chr4-186271766-C-CCGAT. GRCh37 (hg19) VCF-style: chr4-187192920-C-CCGAT.
Other names: c.214_217dup, p.Trp73fs (NM_001354804.2, NM_001440590.1, NM_001440593.1 and 5 more transcripts); short protein forms W73fs.
Identifiers: ClinVar variation 4722384 (VCV004722384.1).

ClinVar aggregate classification (germline): Pathogenic (1 of 4 stars; one submission).

Submission:

Labcorp Genetics (formerly Invitae), Labcorp
Classification: Pathogenic. Last evaluated: 2025-06-30. Review status: criteria provided, single submitter. Criteria: Invitae Variant Classification Sherloc (09022015). Collection method: clinical testing. Allele origin: germline.
Comment: This sequence change creates a premature translational stop signal (p.Trp73Serfs*20) in the F11 gene. It is expected to result in an absent or disrupted protein product. Loss-of-function variants in F11 are known to be pathogenic (PMID: 23929304). This variant is not present in population databases (gnomAD no frequency). This variant has not been reported in the literature in individuals affected with F11-related conditions. For these reasons, this variant has been classified as Pathogenic.

Literature cited by the submitters: PubMed 23929304.